The following is an entry in ClinVar:

NM_001267550.2(TTN):c.104098C>T (p.Pro34700Ser)

Genes: TTN (titin; minus strand), TTN-AS1 (TTN antisense RNA 1; plus strand). Cytogenetic location: 2q31.2.
Variant type: single nucleotide variant.
Coding change: c.104098C>T on transcript NM_001267550.2 (MANE Select); coding-DNA position 104098, C replaced by T.
Protein change: p.Pro34700Ser; replaces proline 34700 with serine.
Molecular consequence: missense variant.
Genome position (GRCh38, 1-based): chr2:178,532,517, G>A on the plus strand (C>T on the coding strand, the complement: TTN is on the minus strand). VCF-style: chr2-178532517-G-A. GRCh37 (hg19) VCF-style: chr2-179397244-G-A.
Other names: c.99175C>T, p.Pro33059Ser (NM_001256850.1); c.76903C>T, p.Pro25635Ser (NM_003319.4); c.96394C>T, p.Pro32132Ser (NM_133378.4); c.77278C>T, p.Pro25760Ser (NM_133432.3); c.77479C>T, p.Pro25827Ser (NM_133437.4); short protein forms P34700S, P32132S, P25635S, P33059S, P25760S, P25827S.
Identifiers: ClinVar variation 466726 (VCV000466726.6), dbSNP rs778877604, ClinGen allele CA1985484.
Genomic context (GRCh38, chr2:178,532,517, plus strand): 5'-CCACCTTGACATGAGCTTGTGGTGAAGAGTAACGTAGGCTAGAAAGCTCAAAGTGTGGAG[G>A]GCTTCGACTTGGGGGTGAAGCTGAAAAACCTAACTCAAGCTCTTCTTCAAGACGCAGCCT-3'
Protein context (NP_001254479.2, residues 34690-34710): GFSASPPSRS[Pro34700Ser]PHFELSSLRY

ClinVar aggregate classification (germline): Uncertain significance. Review status: criteria provided, multiple submitters, no conflicts (2 of 4 stars). 3 submissions from 3 submitters: Uncertain significance (3). Last evaluated 2025-03-12.

Conditions:
Autosomal recessive limb-girdle muscular dystrophy type 2J (LGMDR10). Also called: Limb-girdle muscular dystrophy, type 2J; MUSCULAR DYSTROPHY, LIMB-GIRDLE, AUTOSOMAL RECESSIVE 10. Identifiers: Orphanet 140922, MedGen C1837342, MONDO:0012127, OMIM 608807.
Dilated cardiomyopathy 1G (CMD1G). Identifiers: Orphanet 154, MedGen C1858763, MONDO:0011400, OMIM 604145.
TTN-related disorder. Also called: TTN-related condition; TTN-related disease; TTN-related disorders.
Cardiomyopathy (CMYO). Also called: Cardiomyopathies. Identifiers: Orphanet 167848, MedGen C0878544, MONDO:0004994, HP:0001638. Inheritance: Various modes of inheritance.

Allele frequency attached by ClinVar (database versions not stated): TOPMed 0.00004.
gnomAD v4.1: 18 of 1,613,794 alleles (0.0011%); highest among the groups gnomAD compares: Non-Finnish European, 0.0015%; no homozygotes.

Submissions (3):

PreventionGenetics, part of Exact Sciences
Classification: Uncertain significance for TTN-related condition. Last evaluated: 2025-03-12. Review status: criteria provided, single submitter. Criteria: ACMG Guidelines, 2015. Collection method: clinical testing. Allele origin: germline.
Comment: The TTN c.104098C>T variant is predicted to result in the amino acid substitution p.Pro34700Ser. To our knowledge, this variant has not been reported in the literature. This variant is reported in 0.0035% of alleles in individuals of European (Non-Finnish) descent in gnomAD. At this time, the clinical significance of this variant is uncertain due to the absence of conclusive functional and genetic evidence.

CHEO Genetics Diagnostic Laboratory, Children's Hospital of Eastern Ontario
Classification: Uncertain significance for Cardiomyopathy. Last evaluated: 2019-08-19. Review status: criteria provided, single submitter. Criteria: ACMG Guidelines, 2015. Collection method: clinical testing. Allele origin: germline.

Labcorp Genetics (formerly Invitae), Labcorp
Classification: Uncertain significance for Dilated cardiomyopathy 1G; Autosomal recessive limb-girdle muscular dystrophy type 2J. Last evaluated: 2017-06-06. Review status: criteria provided, single submitter. Criteria: Invitae Variant Classification Sherloc (09022015). Collection method: clinical testing. Allele origin: germline.